The following is an entry in ClinVar:

NM_001854.4(COL11A1):c.898-38T>A

Gene: COL11A1 (collagen type XI alpha 1 chain; minus strand). Cytogenetic location: 1p21.1.
Variant type: single nucleotide variant.
Coding change: c.898-38T>A on transcript NM_001854.4 (MANE Select); 38 bases into the intron before coding-DNA position 898, T replaced by A.
Molecular consequence: intron variant.
Genome position (GRCh38, 1-based): chr1:103,025,651, A>T on the plus strand (T>A on the coding strand, the complement: COL11A1 is on the minus strand). VCF-style: chr1-103025651-A-T. GRCh37 (hg19) VCF-style: chr1-103491207-A-T.
Other names: c.781-38T>A (NM_001190709.2); c.934-38T>A (NM_080629.3); c.897+565T>A (NM_080630.4).
Identifiers: ClinVar variation 677835 (VCV000677835.2), dbSNP rs79473144, ClinGen allele CA975206.
Genomic context (GRCh38, chr1:103,025,651, plus strand): 5'-TGAAAATCATCAACGATGTTTGCCTAATGGTAAATTCAGAAGAGAATTAGTAAACATGTA[A>T]GGTGATCCCAAATGTATGGAAATCATGATTTAATTGGGTTATAGTATTAGCCAAGTGAGT-3'

ClinVar aggregate classification (germline): Likely benign. Review status: criteria provided, multiple submitters, no conflicts (2 of 4 stars). 2 submissions from 2 submitters: Likely benign (2). Last evaluated 2018-06-14.

Allele frequency attached by ClinVar (database versions not stated): ExAC 0.00396; gnomAD 0.01227 and 0.01304; TOPMed 0.01268; ESP Exome Variant Server 0.01461; 1000 Genomes Project 0.01538; 1000 Genomes Project 30x 0.01577.
gnomAD v4.1: 3,829 of 1,584,768 alleles (0.24%); highest among the groups gnomAD compares: African/African-American, 4.2%; 76 homozygotes.

Submissions (2):

GeneDx
Classification: Likely benign. Last evaluated: 2018-06-14. Review status: criteria provided, single submitter. Criteria: GeneDx Variant Classification (06012015). Collection method: clinical testing. Allele origin: germline. Affected: yes.
Comment: This variant is considered likely benign or benign based on one or more of the following criteria: it is a conservative change, it occurs at a poorly conserved position in the protein, it is predicted to be benign by multiple in silico algorithms, and/or has population frequency not consistent with disease.

Breakthrough Genomics
Classification: Likely benign. Review status: criteria provided, single submitter. Criteria: ACMG Guidelines, 2015. Collection method: not provided. Allele origin: germline. Inheritance: Autosomal recessive inheritance. Affected: yes.